The following is an entry in ClinVar:

ClinVar aggregate classification (germline): Likely benign. Review status: criteria provided, multiple submitters, no conflicts (2 of 4 stars). 8 submissions from 8 submitters: Likely benign (7). 1 of the submissions does not count toward it. Last evaluated 2026-06-01.

Conditions:
AGL-related disorder. Also called: AGL-related condition.
Glycogen storage disease type III (GSD3). Also called: Cori disease; FORBES DISEASE. Identifiers: Orphanet 366, MedGen C0017922, MONDO:0009291, OMIM 232400.

Allele frequency attached by ClinVar (database versions not stated): ESP Exome Variant Server 0.00008; 1000 Genomes Project 30x 0.00016; TOPMed 0.00019; 1000 Genomes Project 0.00020; gnomAD exomes 0.00037 and 0.00063; gnomAD 0.00048 and 0.00051; ExAC 0.00064.
gnomAD v4.1: 605 of 1,613,592 alleles (0.037%); highest among the groups gnomAD compares: Non-Finnish European, 0.035%; 1 homozygote.

Submissions (8):

CeGaT Center for Human Genetics Tuebingen
Classification: Likely benign. Last evaluated: 2026-06-01. Review status: criteria provided, single submitter. Criteria: CeGaT Center For Human Genetics Tuebingen Variant Classification Criteria Version 2. Collection method: clinical testing. Allele origin: germline. Affected: yes. Observed: 6 variant alleles.
Comment: AGL: BP4, BP7

Labcorp Genetics (formerly Invitae), Labcorp
Classification: Likely benign for Glycogen storage disease type III. Last evaluated: 2026-01-28. Review status: criteria provided, single submitter. Criteria: Invitae Variant Classification Sherloc (09022015). Collection method: clinical testing. Allele origin: germline.

Laboratory of Genetics, Children's Clinical University Hospital Latvia
Classification: Likely benign. Last evaluated: 2025-02-16. Review status: criteria provided, single submitter. Criteria: ACMG Guidelines, 2015. Collection method: clinical testing. Allele origin: germline. Affected: yes.

PreventionGenetics, part of Exact Sciences
Classification: Likely benign for AGL-related condition. Last evaluated: 2024-12-02. Review status: criteria provided, single submitter. Criteria: ACMG Guidelines, 2015. Collection method: clinical testing. Allele origin: germline.
Comment: This variant is classified as likely benign based on ACMG/AMP sequence variant interpretation guidelines (Richards et al. 2015 PMID: 25741868, with internal and published modifications).

Blueprint Genetics
Classification: Likely benign. Last evaluated: 2024-11-21. Review status: criteria provided, single submitter. Criteria: ACMG Guidelines, 2015. Collection method: clinical testing. Allele origin: germline.

Genome-Nilou Lab
Classification: Likely benign for Glycogen storage disease type III. Last evaluated: 2021-07-15. Review status: criteria provided, single submitter. Criteria: ACMG Guidelines, 2015. Collection method: clinical testing. Allele origin: germline. Affected: no.

GeneDx
Classification: Likely benign. Last evaluated: 2017-04-18. Review status: criteria provided, single submitter. Criteria: GeneDx Variant Classification (06012015). Collection method: clinical testing. Allele origin: germline. Affected: yes.
Comment: This variant is considered likely benign or benign based on one or more of the following criteria: it is a conservative change, it occurs at a poorly conserved position in the protein, it is predicted to be benign by multiple in silico algorithms, and/or has population frequency not consistent with disease.

Natera, Inc.
Classification: Likely benign for Glycogen storage disease type III. Last evaluated: 2019-12-31. Review status: no assertion criteria provided. Collection method: clinical testing. Allele origin: germline. Not counted in ClinVar's aggregate classification.

NM_000642.3(AGL):c.1908A>G (p.Ser636=)

Gene: AGL (amylo-alpha-1,6-glucosidase and 4-alpha-glucanotransferase; plus strand). Cytogenetic location: 1p21.2.
Variant type: single nucleotide variant.
Coding change: c.1908A>G on transcript NM_000642.3 (MANE Select); coding-DNA position 1908, A replaced by G.
Protein change: p.Ser636=; no amino-acid change (serine 636 retained).
Molecular consequence: synonymous variant.
Genome position (GRCh38, 1-based): chr1:99,881,084, A>G. VCF-style: chr1-99881084-A-G. GRCh37 (hg19) VCF-style: chr1-100346640-A-G.
Other names: c.1908A>G, p.Ser636= (NM_000028.3, NM_000643.3, NM_000644.3 and 2 more transcripts); c.1860A>G, p.Ser620= (NM_000646.3); c.1707A>G, p.Ser569= (NM_001425327.1); c.1704A>G, p.Ser568= (NM_001425328.1, NM_001425329.1); c.1530A>G, p.Ser510= (NM_001425332.1).
Identifiers: ClinVar variation 291334 (VCV000291334.46), dbSNP rs144723143, ClinGen allele CA966639.